The following is an entry in ClinVar:

ClinVar aggregate classification (germline): Likely benign. Review status: criteria provided, single submitter (1 of 4 stars). 2 submissions from 2 submitters: Likely benign (1). 1 of the submissions does not count toward it. Last evaluated 2022-03-21.

Conditions:
FLRT3-related disorder. Also called: FLRT3-related condition.

Allele frequency attached by ClinVar (database versions not stated): gnomAD exomes 0.00008; gnomAD 0.00052; TOPMed 0.00069; ExAC 0.00021; 1000 Genomes Project 0.00040; ESP Exome Variant Server 0.00046; 1000 Genomes Project 30x 0.00047.
gnomAD v4.1: 188 of 1,613,926 alleles (0.012%); highest among the groups gnomAD compares: African/African-American, 0.22%; no homozygotes.

Submissions (2):

Labcorp Genetics (formerly Invitae), Labcorp
Classification: Likely benign. Last evaluated: 2022-03-21. Review status: criteria provided, single submitter. Criteria: Invitae Variant Classification Sherloc (09022015). Collection method: clinical testing. Allele origin: germline.

PreventionGenetics, part of Exact Sciences
Classification: Likely benign for FLRT3-related condition. Last evaluated: 2022-03-18. Review status: no assertion criteria provided. Collection method: clinical testing. Allele origin: germline. Not counted in ClinVar's aggregate classification.
Comment: This variant is classified as likely benign based on ACMG/AMP sequence variant interpretation guidelines (Richards et al. 2015 PMID: 25741868, with internal and published modifications).

NM_198391.3(FLRT3):c.950G>A (p.Arg317His)

Genes: MACROD2 (mono-ADP ribosylhydrolase 2; plus strand), FLRT3 (fibronectin leucine rich transmembrane protein 3; minus strand). Cytogenetic location: 20p12.1.
Variant type: single nucleotide variant.
Coding change: c.950G>A on transcript NM_198391.3 (MANE Select); coding-DNA position 950, G replaced by A.
Protein change: p.Arg317His; replaces arginine 317 with histidine.
Molecular consequence: missense variant. On other transcripts: intron variant (3).
Genome position (GRCh38, 1-based): chr20:14,326,557, C>T on the plus strand (G>A on the coding strand, the complement: FLRT3 is on the minus strand). VCF-style: chr20-14326557-C-T. GRCh37 (hg19) VCF-style: chr20-14307203-C-T.
Other names: c.950G>A, p.Arg317His (NM_013281.4); c.272-166922C>T (NM_001351661.2, NM_001351663.2, NM_080676.6); short protein forms R317H.
Identifiers: ClinVar variation 2066204 (VCV002066204.6), dbSNP rs148251977, ClinGen allele CA9768968.
Genomic context (GRCh38, chr20:14,326,557, plus strand): 5'-GGGGCTTGGCACATGAGCCCACGCACGTTGACCTTCACAGGTAGTGATTGTAACCAGTCA[C>T]GTACCCATTTCATCTTGCACCCGCAATACCAGGGATTGTTGCGAAGAATCAGTTGTGTTA-3'
Protein context (NP_938205.1, residues 307-327): WYCGCKMKWV[Arg317His]DWLQSLPVKV